The following is an entry in ClinVar:

ClinVar aggregate classification (germline): Uncertain significance (1 of 4 stars; one submission).

gnomAD v4.1: 10 of 1,614,204 alleles (0.00062%); highest among the groups gnomAD compares: Non-Finnish European, 0.00085%; no homozygotes.

Submission:

Labcorp Genetics (formerly Invitae), Labcorp
Classification: Uncertain significance. Last evaluated: 2024-10-28. Review status: criteria provided, single submitter. Criteria: Invitae Variant Classification Sherloc (09022015). Collection method: clinical testing. Allele origin: germline.
Comment: This sequence change replaces valine, which is neutral and non-polar, with methionine, which is neutral and non-polar, at codon 540 of the CACNA1D protein (p.Val540Met). This variant is not present in population databases (gnomAD no frequency). This variant has not been reported in the literature in individuals affected with CACNA1D-related conditions. Invitae Evidence Modeling of protein sequence and biophysical properties (such as structural, functional, and spatial information, amino acid conservation, physicochemical variation, residue mobility, and thermodynamic stability) indicates that this missense variant is not expected to disrupt CACNA1D protein function with a negative predictive value of 80%. In summary, the available evidence is currently insufficient to determine the role of this variant in disease. Therefore, it has been classified as a Variant of Uncertain Significance.

NM_001128840.3(CACNA1D):c.1558G>A (p.Val520Met)

Gene: CACNA1D (calcium voltage-gated channel subunit alpha1 D; plus strand). Cytogenetic location: 3p21.1.
Variant type: single nucleotide variant.
Coding change: c.1558G>A on transcript NM_001128840.3 (MANE Select); coding-DNA position 1558, G replaced by A.
Protein change: p.Val520Met; replaces valine 520 with methionine.
Molecular consequence: missense variant.
Genome position (GRCh38, 1-based): chr3:53,722,366, G>A. VCF-style: chr3-53722366-G-A. GRCh37 (hg19) VCF-style: chr3-53756393-G-A.
Other names: c.1618G>A, p.Val540Met (NM_000720.4); c.1558G>A, p.Val520Met (NM_001128839.3); short protein forms V520M, V540M.
Identifiers: ClinVar variation 3610616 (VCV003610616.2).